The following is an entry in ClinVar:

ClinVar aggregate classification (germline): Pathogenic (1 of 4 stars; one submission).

Submission:

Labcorp Genetics (formerly Invitae), Labcorp
Classification: Pathogenic. Last evaluated: 2023-01-13. Review status: criteria provided, single submitter. Criteria: Invitae Variant Classification Sherloc (09022015). Collection method: clinical testing. Allele origin: unknown.
Comment: This variant is a gross deletion of the genomic region encompassing exon(s) 8-33 of the PCDH15 gene, which includes the termination codon. This deletion extends beyond the assayed region for this gene and therefore may encompass additional genes. While this deletion is not anticipated to lead to nonsense mediated decay, it is expected to alter mRNA translation or result in a truncated protein product. For these reasons, this variant has been classified as Pathogenic. This variant disrupts a region of the PCDH15 protein in which other variant(s) (p.Val1578Alafs*6) have been determined to be pathogenic (PMID: 33089500). This suggests that this is a clinically significant region of the protein, and that variants that disrupt it are likely to be disease-causing. This variant has not been reported in the literature in individuals affected with PCDH15-related conditions.

Literature cited by the submitters: PubMed 33089500.

NC_000010.10:g.(?_55581618)_(56077221_?)del

Gene: PCDH15 (protocadherin related 15; minus strand). Cytogenetic location: 10q21.1.
Variant type: Deletion.
Identifiers: ClinVar variation 3245030 (VCV003245030.1).